The following is an entry in ClinVar:

NM_002661.5(PLCG2):c.827C>A (p.Thr276Asn)

Gene: PLCG2 (phospholipase C gamma 2; plus strand). Cytogenetic location: 16q23.3.
Variant type: single nucleotide variant.
Coding change: c.827C>A on transcript NM_002661.5 (MANE Select); coding-DNA position 827, C replaced by A.
Protein change: p.Thr276Asn; replaces threonine 276 with asparagine.
Molecular consequence: missense variant.
Genome position (GRCh38, 1-based): chr16:81,889,233, C>A. VCF-style: chr16-81889233-C-A. GRCh37 (hg19) VCF-style: chr16-81922838-C-A.
Other names: short protein forms T276N.
Identifiers: ClinVar variation 565434 (VCV000565434.8), dbSNP rs1567517826, ClinGen allele CA396897776.

ClinVar aggregate classification (germline): Uncertain significance (1 of 4 stars; one submission).

Conditions:
Familial cold autoinflammatory syndrome 3 (FCAS3). Also called: FAMILIAL ATYPICAL COLD URTICARIA; ANTIBODY DEFICIENCY AND IMMUNE DYSREGULATION, PLCG2-ASSOCIATED. Identifiers: Orphanet 300359, MedGen C3280914, MONDO:0013766, OMIM 614468.

Allele frequency attached by ClinVar (database versions not stated): gnomAD 0.00001; gnomAD exomes 0.00001.
gnomAD v4.1: 20 of 1,606,194 alleles (0.0012%); highest among the groups gnomAD compares: Non-Finnish European, 0.0016%; no homozygotes.

Submission:

Labcorp Genetics (formerly Invitae), Labcorp
Classification: Uncertain significance for Familial cold autoinflammatory syndrome 3. Last evaluated: 2018-04-12. Review status: criteria provided, single submitter. Criteria: Invitae Variant Classification Sherloc (09022015). Collection method: clinical testing. Allele origin: germline.
Comment: This sequence change replaces threonine with asparagine at codon 276 of the PLCG2 protein (p.Thr276Asn). The threonine residue is highly conserved and there is a small physicochemical difference between threonine and asparagine. This variant is not present in population databases (ExAC no frequency). This variant has not been reported in the literature in individuals with PLCG2-related disease. Algorithms developed to predict the effect of missense changes on protein structure and function do not agree on the potential impact of this missense change (SIFT: "Tolerated"; PolyPhen-2: "Probably Damaging"; Align-GVGD: "Class C0"). In summary, the available evidence is currently insufficient to determine the role of this variant in disease. Therefore, it has been classified as a Variant of Uncertain Significance.